The following is an entry in ClinVar:

ClinVar aggregate classification (germline): Conflicting classifications of pathogenicity. Review status: criteria provided, conflicting classifications (1 of 4 stars). 12 submissions from 12 submitters: Uncertain significance (1); Benign (5); Likely benign (2). 4 of the submissions do not count toward it. Last evaluated 2026-06-01.

Conditions:
Dilated cardiomyopathy 1DD (CMD1DD). Identifiers: Orphanet 154, MedGen C2750995, MONDO:0013168, OMIM 613172.

Allele frequency attached by ClinVar (database versions not stated): 1000 Genomes Project 0.00160; 1000 Genomes Project 30x 0.00172; ESP Exome Variant Server 0.00263; ExAC 0.00303; TOPMed 0.00377; gnomAD exomes 0.00403 and 0.00597; gnomAD 0.00419 and 0.00436.
gnomAD v4.1: 8,734 of 1,525,998 alleles (0.57%); highest among the groups gnomAD compares: Non-Finnish European, 0.69%; 31 homozygotes.

Submissions (12):

CeGaT Center for Human Genetics Tuebingen
Classification: Likely benign. Last evaluated: 2026-06-01. Review status: criteria provided, single submitter. Criteria: CeGaT Center For Human Genetics Tuebingen Variant Classification Criteria Version 2. Collection method: clinical testing. Allele origin: germline. Affected: yes. Observed: 10 variant alleles.
Comment: RBM20: BS2

Labcorp Genetics (formerly Invitae), Labcorp
Classification: Benign for Dilated cardiomyopathy 1DD. Last evaluated: 2026-02-04. Review status: criteria provided, single submitter. Criteria: Invitae Variant Classification Sherloc (09022015). Collection method: clinical testing. Allele origin: germline.

ARUP Laboratories, Molecular Genetics and Genomics, ARUP Laboratories
Classification: Benign for Dilated cardiomyopathy 1DD. Last evaluated: 2025-01-26. Review status: criteria provided, single submitter. Criteria: ARUP Molecular Germline Variant Investigation Process 2024. Collection method: clinical testing. Allele origin: germline.

Blueprint Genetics
Classification: Likely benign. Last evaluated: 2024-11-22. Review status: criteria provided, single submitter. Criteria: ACMG Guidelines, 2015. Collection method: clinical testing. Allele origin: germline.

Women's Health and Genetics/Laboratory Corporation of America, LabCorp
Classification: Benign. Last evaluated: 2022-03-28. Review status: criteria provided, single submitter. Criteria: LabCorp Variant Classification Summary - May 2015. Collection method: clinical testing. Allele origin: germline.

Illumina Laboratory Services, Illumina
Classification: Uncertain significance for Dilated cardiomyopathy 1DD. Last evaluated: 2018-01-12. Review status: criteria provided, single submitter. Criteria: ICSL Variant Classification Criteria 13 December 2019. Collection method: clinical testing. Allele origin: germline.

Laboratory for Molecular Medicine, Mass General Brigham Personalized Medicine
Classification: Benign. Last evaluated: 2013-09-17. Review status: criteria provided, single submitter. Criteria: LMM Criteria. Collection method: clinical testing. Allele origin: germline. Observed: 16 variant alleles.
Comment: 2655+15A>G in intron 10 of RBM20: This variant is not expected to have clinical significance because it has been identified in 0.3% (10/3182) of European Americ an chromosomes and 0.15% (2/1384) of African American chromosomes by the NHLBI E xome Sequencing Project (dbSNP rs187915202). 2655+15A>G in intron 10 of RBM20: rs187915202; allele frequency = 0.3 (10/3182 ) **

GeneDx
Classification: Benign. Last evaluated: 2013-02-20. Review status: criteria provided, single submitter. Criteria: GeneDx Variant Classification (06012015). Collection method: clinical testing. Allele origin: germline. Affected: yes.
Comment: This variant is considered likely benign or benign based on one or more of the following criteria: it is a conservative change, it occurs at a poorly conserved position in the protein, it is predicted to be benign by multiple in silico algorithms, and/or has population frequency not consistent with disease.

Clinical Genetics DNA and cytogenetics Diagnostics Lab, Erasmus MC, Erasmus Medical Center
Classification: Benign. Review status: no assertion criteria provided. Collection method: clinical testing. Allele origin: germline. Affected: yes. Study: VKGL Data-share Consensus. Not counted in ClinVar's aggregate classification.

Clinical Genetics, Academic Medical Center
Classification: Benign. Review status: no assertion criteria provided. Collection method: clinical testing. Allele origin: germline. Affected: yes. Study: VKGL Data-share Consensus. Not counted in ClinVar's aggregate classification.

Genome Diagnostics Laboratory, University Medical Center Utrecht
Classification: Benign. Review status: no assertion criteria provided. Collection method: clinical testing. Allele origin: germline. Affected: yes. Study: VKGL Data-share Consensus. Not counted in ClinVar's aggregate classification.

Joint Genome Diagnostic Labs from Nijmegen and Maastricht, Radboudumc and MUMC+
Classification: Likely benign. Review status: no assertion criteria provided. Collection method: clinical testing. Allele origin: germline. Affected: yes. Study: VKGL Data-share Consensus. Not counted in ClinVar's aggregate classification.

NM_001134363.3(RBM20):c.2655+15A>G

Gene: RBM20 (RNA binding motif protein 20; plus strand). Cytogenetic location: 10q25.2.
Variant type: single nucleotide variant.
Coding change: c.2655+15A>G on transcript NM_001134363.3 (MANE Select); 15 bases into the intron after coding-DNA position 2655, A replaced by G.
Molecular consequence: intron variant.
Genome position (GRCh38, 1-based): chr10:110,820,191, A>G. VCF-style: chr10-110820191-A-G. GRCh37 (hg19) VCF-style: chr10-112579949-A-G.
Identifiers: ClinVar variation 43993 (VCV000043993.60), dbSNP rs187915202, ClinGen allele CA133325.
Genomic context (GRCh38, chr10:110,820,191, plus strand): 5'-GAAAGAAGCAGAGTTCTCTGATCCGGAAAACACAAGGACAAAGAAGGTAAAGTTTGTTTC[A>G]GATTCTGCACTTCTGCCATGAGGGACTGAGTCACAGGAGTCCCCCTTTTGCCTGGTGATG-3'